The following is an entry in ClinVar:

ClinVar aggregate classification (germline): Uncertain significance (1 of 4 stars; one submission).

Allele frequency attached by ClinVar (database versions not stated): 1000 Genomes Project 30x 0.00016; 1000 Genomes Project 0.00020; ExAC 0.00002.

Submission:

Labcorp Genetics (formerly Invitae), Labcorp
Classification: Uncertain significance. Last evaluated: 2025-08-21. Review status: criteria provided, single submitter. Criteria: Invitae Variant Classification Sherloc (09022015). Collection method: clinical testing. Allele origin: germline.
Comment: This sequence change replaces glycine, which is neutral and non-polar, with arginine, which is basic and polar, at codon 172 of the PEX11B protein (p.Gly172Arg). This variant is present in population databases (rs587764244, gnomAD 0.004%). This variant has not been reported in the literature in individuals affected with PEX11B-related conditions. ClinVar contains an entry for this variant (Variation ID: 2125324). An algorithm developed to predict the effect of missense changes on protein structure and function (PolyPhen-2) suggests that this variant is likely to be disruptive. In summary, the available evidence is currently insufficient to determine the role of this variant in disease. Therefore, it has been classified as a Variant of Uncertain Significance.

NM_003846.3(PEX11B):c.514G>A (p.Gly172Arg)

Gene: PEX11B (peroxisomal biogenesis factor 11 beta; minus strand). Cytogenetic location: 1q21.1.
Variant type: single nucleotide variant.
Coding change: c.514G>A on transcript NM_003846.3 (MANE Select); coding-DNA position 514, G replaced by A.
Protein change: p.Gly172Arg; replaces glycine 172 with arginine.
Molecular consequence: missense variant. On other transcripts: non-coding transcript variant (3).
Genome position (GRCh38, 1-based): chr1:145,912,427, C>T on the plus strand (G>A on the coding strand, the complement: PEX11B is on the minus strand). VCF-style: chr1-145912427-C-T. GRCh37 (hg19) VCF-style: chr1-145522653-G-A.
Other names: c.472G>A, p.Gly158Arg (NM_001184795.1); short protein forms G158R, G172R.
Identifiers: ClinVar variation 2125324 (VCV002125324.4), dbSNP rs587764244, ClinGen allele CA1055623.